The following is an entry in ClinVar:

ClinVar aggregate classification (germline): Likely benign (1 of 4 stars; one submission).

Submission:

CeGaT Center for Human Genetics Tuebingen
Classification: Likely benign. Last evaluated: 2022-06-01. Review status: criteria provided, single submitter. Criteria: CeGaT Center For Human Genetics Tuebingen Variant Classification Criteria Version 2. Collection method: clinical testing. Allele origin: germline. Affected: yes. Observed: 1 variant allele.
Comment: DPYSL2: PM2:Supporting, BP4, BP7

NM_001197293.3(DPYSL2):c.1725C>G (p.Pro575=)

Gene: DPYSL2 (dihydropyrimidinase like 2; plus strand). Cytogenetic location: 8p21.2.
Variant type: single nucleotide variant.
Coding change: c.1725C>G on transcript NM_001197293.3 (MANE Select); coding-DNA position 1725, C replaced by G.
Protein change: p.Pro575=; no amino-acid change (proline 575 retained).
Molecular consequence: synonymous variant.
Genome position (GRCh38, 1-based): chr8:26,652,385, C>G. VCF-style: chr8-26652385-C-G. GRCh37 (hg19) VCF-style: chr8-26509901-C-G.
Other names: c.1302C>G, p.Pro434= (NM_001244604.2); c.1410C>G, p.Pro470= (NM_001386.6).
Identifiers: ClinVar variation 2658497 (VCV002658497.24), dbSNP rs2536019370, ClinGen allele CA460041818.